The following is an entry in ClinVar:

NM_000088.4(COL1A1):c.3269A>C (p.Gln1090Pro)

Gene: COL1A1 (collagen type I alpha 1 chain; minus strand). Cytogenetic location: 17q21.33.
Variant type: single nucleotide variant.
Coding change: c.3269A>C on transcript NM_000088.4 (MANE Select); coding-DNA position 3269, A replaced by C.
Protein change: p.Gln1090Pro; replaces glutamine 1090 with proline.
Molecular consequence: missense variant.
Genome position (GRCh38, 1-based): chr17:50,187,976, T>G on the plus strand (A>C on the coding strand, the complement: COL1A1 is on the minus strand). VCF-style: chr17-50187976-T-G. GRCh37 (hg19) VCF-style: chr17-48265337-T-G.
Other names: short protein forms Q1090P.
Identifiers: ClinVar variation 1386836 (VCV001386836.6), dbSNP rs1906705094, ClinGen allele CA400199945.

ClinVar aggregate classification (germline): Uncertain significance (1 of 4 stars; one submission).

Conditions:
Osteogenesis imperfecta type I (OI1). Also called: Lobstein disease; Osteogenesis imperfecta type 1; Lobstein's Disease; OI, TYPE I; OSTEOGENESIS IMPERFECTA TARDA; OSTEOGENESIS IMPERFECTA WITH BLUE SCLERAE. Identifiers: Orphanet 216796, Orphanet 666, MedGen C0023931, MONDO:0008146, OMIM 166200. Disease mechanism: loss of function.

Allele frequency attached by ClinVar (database versions not stated): gnomAD exomes below 0.00001.
gnomAD v4.1: 1 of 1,614,036 alleles (0.000062%); highest among the groups gnomAD compares: Non-Finnish European, 0.000085%; no homozygotes.

Submission:

Labcorp Genetics (formerly Invitae), Labcorp
Classification: Uncertain significance for Osteogenesis imperfecta type I. Last evaluated: 2022-09-27. Review status: criteria provided, single submitter. Criteria: Invitae Variant Classification Sherloc (09022015). Collection method: clinical testing. Allele origin: germline.
Comment: Advanced modeling of protein sequence and biophysical properties (such as structural, functional, and spatial information, amino acid conservation, physicochemical variation, residue mobility, and thermodynamic stability) has been performed at Invitae for this missense variant, however the output from this modeling did not meet the statistical confidence thresholds required to predict the impact of this variant on COL1A1 protein function. ClinVar contains an entry for this variant (Variation ID: 1386836). This variant has not been reported in the literature in individuals affected with COL1A1-related conditions. This variant is not present in population databases (gnomAD no frequency). This sequence change replaces glutamine, which is neutral and polar, with proline, which is neutral and non-polar, at codon 1090 of the COL1A1 protein (p.Gln1090Pro). In summary, the available evidence is currently insufficient to determine the role of this variant in disease. Therefore, it has been classified as a Variant of Uncertain Significance.